The following is an entry in ClinVar:

NM_015102.5(NPHP4):c.4093C>T (p.His1365Tyr)

Gene: NPHP4 (nephrocystin 4; minus strand). Cytogenetic location: 1p36.31.
Variant type: single nucleotide variant.
Coding change: c.4093C>T on transcript NM_015102.5 (MANE Select); coding-DNA position 4093, C replaced by T.
Protein change: p.His1365Tyr; replaces histidine 1365 with tyrosine.
Molecular consequence: missense variant. On other transcripts: non-coding transcript variant (1).
Genome position (GRCh38, 1-based): chr1:5,863,937, G>A on the plus strand (C>T on the coding strand, the complement: NPHP4 is on the minus strand). VCF-style: chr1-5863937-G-A. GRCh37 (hg19) VCF-style: chr1-5923997-G-A.
Other names: c.2554C>T, p.His852Tyr (NM_001291593.2); c.2557C>T, p.His853Tyr (NM_001291594.2); short protein forms H853Y, H852Y, H1365Y.
Identifiers: ClinVar variation 1525302 (VCV001525302.8), dbSNP rs2100372334, ClinGen allele CA338048928.

ClinVar aggregate classification (germline): Uncertain significance (1 of 4 stars; one submission).

Conditions:
Nephronophthisis. Also called: Juvenile Nephronophthisis. Identifiers: Orphanet 655, MedGen C0687120, MONDO:0019005, HP:0000090.

Submission:

Labcorp Genetics (formerly Invitae), Labcorp
Classification: Uncertain significance for Nephronophthisis. Last evaluated: 2022-06-20. Review status: criteria provided, single submitter. Criteria: Invitae Variant Classification Sherloc (09022015). Collection method: clinical testing. Allele origin: germline.
Comment: In summary, the available evidence is currently insufficient to determine the role of this variant in disease. Therefore, it has been classified as a Variant of Uncertain Significance. Algorithms developed to predict the effect of missense changes on protein structure and function output the following: SIFT: "Tolerated"; PolyPhen-2: "Benign"; Align-GVGD: "Class C0". The tyrosine amino acid residue is found in multiple mammalian species, which suggests that this missense change does not adversely affect protein function. This variant has not been reported in the literature in individuals affected with NPHP4-related conditions. This variant is not present in population databases (gnomAD no frequency). This sequence change replaces histidine, which is basic and polar, with tyrosine, which is neutral and polar, at codon 1365 of the NPHP4 protein (p.His1365Tyr).